The following is an entry in ClinVar:

ClinVar aggregate classification (germline): Uncertain significance (1 of 4 stars; one submission).

Conditions:
Leber congenital amaurosis 13 (LCA13). Identifiers: MedGen C2675186, MONDO:0012990, OMIM 612712.

Submission:

Labcorp Genetics (formerly Invitae), Labcorp
Classification: Uncertain significance for Leber congenital amaurosis 13. Last evaluated: 2022-08-24. Review status: criteria provided, single submitter. Criteria: Invitae Variant Classification Sherloc (09022015). Collection method: clinical testing. Allele origin: germline.
Comment: In summary, the available evidence is currently insufficient to determine the role of this variant in disease. Therefore, it has been classified as a Variant of Uncertain Significance. Algorithms developed to predict the effect of missense changes on protein structure and function (SIFT, PolyPhen-2, Align-GVGD) all suggest that this variant is likely to be tolerated. This variant has not been reported in the literature in individuals affected with RDH12-related conditions. This variant is not present in population databases (gnomAD no frequency). This sequence change replaces cysteine, which is neutral and slightly polar, with glycine, which is neutral and non-polar, at codon 245 of the RDH12 protein (p.Cys245Gly).

NM_152443.3(RDH12):c.733T>G (p.Cys245Gly)

Genes: GPHN (gephyrin; plus strand), RDH12 (retinol dehydrogenase 12; plus strand), ZFYVE26 (zinc finger FYVE-type containing 26; minus strand). Cytogenetic location: 14q24.1.
Variant type: single nucleotide variant.
Coding change: c.733T>G on transcript NM_152443.3 (MANE Select); coding-DNA position 733, T replaced by G.
Protein change: p.Cys245Gly; replaces cysteine 245 with glycine.
Molecular consequence: missense variant.
Genome position (GRCh38, 1-based): chr14:67,729,265, T>G. VCF-style: chr14-67729265-T-G. GRCh37 (hg19) VCF-style: chr14-68195982-T-G.
Other names: short protein forms C245G.
Identifiers: ClinVar variation 2015198 (VCV002015198.4), dbSNP rs2038234446, ClinGen allele CA390152993.